The following is an entry in ClinVar:

ClinVar aggregate classification (germline): Uncertain significance. Review status: criteria provided, multiple submitters, no conflicts (2 of 4 stars). 2 submissions from 2 submitters: Uncertain significance (2). Last evaluated 2024-06-06.

Conditions:
Fanconi anemia complementation group E (FANCE). Also called: FANCE-Related Fanconi Anemia. Identifiers: Orphanet 84, MedGen C3160739, MONDO:0010953, OMIM 600901.

gnomAD v4.1: 2 of 1,334,930 alleles (0.00015%); highest among the groups gnomAD compares: African/African-American, 0.0015%; no homozygotes.

Submissions (2):

Fulgent Genetics
Classification: Uncertain significance for Fanconi anemia complementation group E. Last evaluated: 2024-06-06. Review status: criteria provided, single submitter. Criteria: ACMG Guidelines, 2015. Collection method: clinical testing. Allele origin: germline.

Labcorp Genetics (formerly Invitae), Labcorp
Classification: Uncertain significance for Fanconi anemia complementation group E. Last evaluated: 2022-05-16. Review status: criteria provided, single submitter. Criteria: Invitae Variant Classification Sherloc (09022015). Collection method: clinical testing. Allele origin: germline.
Comment: This sequence change replaces proline, which is neutral and non-polar, with serine, which is neutral and polar, at codon 9 of the FANCE protein (p.Pro9Ser). This variant is not present in population databases (gnomAD no frequency). This variant has not been reported in the literature in individuals affected with FANCE-related conditions. Algorithms developed to predict the effect of missense changes on protein structure and function (SIFT, PolyPhen-2, Align-GVGD) all suggest that this variant is likely to be tolerated. In summary, the available evidence is currently insufficient to determine the role of this variant in disease. Therefore, it has been classified as a Variant of Uncertain Significance.

NM_021922.3(FANCE):c.25C>T (p.Pro9Ser)

Genes: FANCE (FA complementation group E; plus strand), LOC129996245 (ATAC-STARR-seq lymphoblastoid silent region 17092; plus strand). Cytogenetic location: 6p21.31.
Variant type: single nucleotide variant.
Coding change: c.25C>T on transcript NM_021922.3 (MANE Select); coding-DNA position 25, C replaced by T.
Protein change: p.Pro9Ser; replaces proline 9 with serine.
Molecular consequence: missense variant.
Genome position (GRCh38, 1-based): chr6:35,452,570, C>T. VCF-style: chr6-35452570-C-T. GRCh37 (hg19) VCF-style: chr6-35420347-C-T.
Other names: c.25C>T, p.Pro9Ser (NM_001410876.1); short protein forms P9S.
Identifiers: ClinVar variation 1960655 (VCV001960655.3), dbSNP rs956659254, ClinGen allele CA137292238.